The following is an entry in ClinVar:

ClinVar aggregate classification (germline): Benign/Likely benign. Review status: criteria provided, multiple submitters, no conflicts (2 of 4 stars). 28 submissions from 21 submitters: Benign (17); Likely benign (4). 7 of the submissions do not count toward it. Last evaluated 2026-02-04.

Conditions:
Cardiovascular phenotype. Identifiers: MedGen CN230736.
Dilated cardiomyopathy 1G (CMD1G). Identifiers: Orphanet 154, MedGen C1858763, MONDO:0011400, OMIM 604145.
Autosomal recessive limb-girdle muscular dystrophy type 2J (LGMDR10). Also called: MUSCULAR DYSTROPHY, LIMB-GIRDLE, AUTOSOMAL RECESSIVE 10; Limb-girdle muscular dystrophy, type 2J. Identifiers: Orphanet 140922, MedGen C1837342, MONDO:0012127, OMIM 608807.
Early-onset myopathy with fatal cardiomyopathy (CMYO5). Also called: CONGENITAL MYOPATHY 5 WITH CARDIOMYOPATHY; Salih Myopathy. Identifiers: Orphanet 289377, MedGen C2673677, MONDO:0012714, OMIM 611705. Disease mechanism: loss of function.
Myopathy, myofibrillar, 9, with early respiratory failure (MFM9). Also called: Myopathy, distal, with early respiratory failure, autosomal dominant; Hereditary myopathy with early respiratory failure; MYOPATHY, PROXIMAL, WITH EARLY RESPIRATORY MUSCLE INVOLVEMENT; EDSTROM MYOPATHY. Identifiers: Orphanet 178464, Orphanet 34521, MedGen C1863599, MONDO:0011362, OMIM 603689.
Tibial muscular dystrophy (TMD). Also called: Udd Distal Myopathy – Tibial Muscular Dystrophy; Tibial muscular dystrophy, tardive; UDD MYOPATHY. Identifiers: Orphanet 609, MedGen C1838244, MONDO:0010870, OMIM 600334.

Allele frequency attached by ClinVar (database versions not stated): 1000 Genomes Project 0.02017; gnomAD 0.02423 and 0.02369; ESP Exome Variant Server 0.02795; TOPMed 0.02177; 1000 Genomes Project 30x 0.01874.
gnomAD v4.1: 54,430 of 1,612,374 alleles (3.4%); highest among the groups gnomAD compares: South Asian, 4.7%; 1,074 homozygotes.

Submissions (28):

Labcorp Genetics (formerly Invitae), Labcorp
Classification: Benign for Dilated cardiomyopathy 1G; Autosomal recessive limb-girdle muscular dystrophy type 2J. Last evaluated: 2026-02-04. Review status: criteria provided, single submitter. Criteria: Invitae Variant Classification Sherloc (09022015). Collection method: clinical testing. Allele origin: germline.

ARUP Laboratories, Molecular Genetics and Genomics, ARUP Laboratories
Classification: Benign. Last evaluated: 2025-06-23. Review status: criteria provided, single submitter. Criteria: ARUP Molecular Germline Variant Investigation Process 2024. Collection method: clinical testing. Allele origin: germline.

Molecular Diagnostic Laboratory for Inherited Cardiovascular Disease, Montreal Heart Institute
Classification: Likely benign. Last evaluated: 2025-04-09. Review status: criteria provided, single submitter. Criteria: ACMG Guidelines, 2015. Collection method: clinical testing. Allele origin: germline. Affected: no.

Blueprint Genetics
Classification: Benign. Last evaluated: 2024-11-26. Review status: criteria provided, single submitter. Criteria: ACMG Guidelines, 2015. Collection method: clinical testing. Allele origin: germline.

Genome-Nilou Lab
Classification: Benign for Autosomal recessive limb-girdle muscular dystrophy type 2J. Last evaluated: 2021-09-10. Review status: criteria provided, single submitter. Criteria: ACMG Guidelines, 2015. Collection method: clinical testing. Allele origin: germline. Affected: no.

Genome-Nilou Lab
Classification: Benign for Myopathy, myofibrillar, 9, with early respiratory failure. Last evaluated: 2021-09-10. Review status: criteria provided, single submitter. Criteria: ACMG Guidelines, 2015. Collection method: clinical testing. Allele origin: germline. Affected: no.

Genome-Nilou Lab
Classification: Benign for Early-onset myopathy with fatal cardiomyopathy. Last evaluated: 2021-09-10. Review status: criteria provided, single submitter. Criteria: ACMG Guidelines, 2015. Collection method: clinical testing. Allele origin: germline. Affected: no.

Genome-Nilou Lab
Classification: Benign for Tibial muscular dystrophy. Last evaluated: 2021-09-10. Review status: criteria provided, single submitter. Criteria: ACMG Guidelines, 2015. Collection method: clinical testing. Allele origin: germline. Affected: no.

Women's Health and Genetics/Laboratory Corporation of America, LabCorp
Classification: Likely benign. Last evaluated: 2020-12-06. Review status: criteria provided, single submitter. Criteria: LabCorp Variant Classification Summary - May 2015. Collection method: clinical testing. Allele origin: germline.

Illumina Laboratory Services, Illumina
Classification: Benign for Tibial muscular dystrophy. Last evaluated: 2018-01-12. Review status: criteria provided, single submitter. Criteria: ICSL Variant Classification Criteria 13 December 2019. Collection method: clinical testing. Allele origin: germline.
Comment: This variant was observed in the ICSL laboratory as part of a predisposition screen in an ostensibly healthy population. It had not been previously curated by ICSL or reported in the Human Gene Mutation Database (HGMD: prior to June 1st, 2018), and was therefore a candidate for classification through an automated scoring system. Utilizing variant allele frequency, disease prevalence and penetrance estimates, and inheritance mode, an automated score was calculated to assess if this variant is too frequent to cause the disease. Based on the score and internal cut-off values, a variant classified as benign is not then subjected to further curation. The score for this variant resulted in a classification of benign for this disease.

Illumina Laboratory Services, Illumina
Classification: Likely benign for Dilated cardiomyopathy 1G. Last evaluated: 2018-01-12. Review status: criteria provided, single submitter. Criteria: ICSL Variant Classification Criteria 13 December 2019. Collection method: clinical testing. Allele origin: germline.
Comment: This variant was observed in the ICSL laboratory as part of a predisposition screen in an ostensibly healthy population. It had not been previously curated by ICSL or reported in the Human Gene Mutation Database (HGMD: prior to June 1st, 2018), and was therefore a candidate for classification through an automated scoring system. Utilizing variant allele frequency, disease prevalence and penetrance estimates, and inheritance mode, an automated score was calculated to assess if this variant is too frequent to cause the disease. Based on the score and internal cut-off values, a variant classified as likely benign is not then subjected to further curation. The score for this variant resulted in a classification of likely benign for this disease.

Illumina Laboratory Services, Illumina
Classification: Benign for Early-onset myopathy with fatal cardiomyopathy. Last evaluated: 2018-01-12. Review status: criteria provided, single submitter. Criteria: ICSL Variant Classification Criteria 13 December 2019. Collection method: clinical testing. Allele origin: germline.
Comment: the same text as in the submission from Illumina Laboratory Services, Illumina above.

Illumina Laboratory Services, Illumina
Classification: Benign for Autosomal recessive limb-girdle muscular dystrophy type 2J. Last evaluated: 2018-01-12. Review status: criteria provided, single submitter. Criteria: ICSL Variant Classification Criteria 13 December 2019. Collection method: clinical testing. Allele origin: germline.
Comment: the same text as in the submission from Illumina Laboratory Services, Illumina above.

Illumina Laboratory Services, Illumina
Classification: Benign for Myopathy, myofibrillar, 9, with early respiratory failure. Last evaluated: 2018-01-12. Review status: criteria provided, single submitter. Criteria: ICSL Variant Classification Criteria 13 December 2019. Collection method: clinical testing. Allele origin: germline.
Comment: the same text as in the submission from Illumina Laboratory Services, Illumina above.

Mayo Clinic Laboratories, Mayo Clinic
Classification: Benign. Last evaluated: 2017-12-04. Review status: criteria provided, single submitter. Criteria: ACMG Guidelines, 2015. Collection method: clinical testing. Allele origin: germline. Observed: 131 variant alleles.

Biesecker Lab/Clinical Genomics Section, National Institutes of Health
Classification: Benign. Last evaluated: 2013-06-24. Review status: criteria provided, single submitter. Criteria: Ng et al. (Circ Cardiovasc Genet. 2013). Collection method: research. Allele origin: unknown. Observed: 44 variant alleles. Study: ClinSeq.
Comment: The study set was not selected for affection status in relation to any cancer. Pathogenicity categories were based on literature curation. See Pubmed ID:23861362 for details.

Medical sequencing

GeneDx
Classification: Benign. Last evaluated: 2012-11-01. Review status: criteria provided, single submitter. Criteria: GeneDx Variant Classification (06012015). Collection method: clinical testing. Allele origin: germline. Affected: yes.
Comment: This variant is considered likely benign or benign based on one or more of the following criteria: it is a conservative change, it occurs at a poorly conserved position in the protein, it is predicted to be benign by multiple in silico algorithms, and/or has population frequency not consistent with disease.

Ambry Genetics
Classification: Benign for Cardiovascular phenotype. Last evaluated: 2012-09-20. Review status: criteria provided, single submitter. Criteria: Ambry Autosomal Dominant and X-Linked criteria (10/2015). Collection method: clinical testing. Allele origin: germline. Observed: 1 variant allele.

Laboratory for Molecular Medicine, Mass General Brigham Personalized Medicine
Classification: Benign. Last evaluated: 2012-04-04. Review status: criteria provided, single submitter. Criteria: LMM Criteria. Collection method: clinical testing. Allele origin: germline. Observed: 121 variant alleles.

Breakthrough Genomics
Classification: Likely benign. Review status: criteria provided, single submitter. Criteria: ACMG Guidelines, 2015. Collection method: not provided. Allele origin: germline. Inheritance: Autosomal recessive inheritance. Affected: yes.

PreventionGenetics, part of Exact Sciences
Classification: Benign. Review status: criteria provided, single submitter. Criteria: ACMG Guidelines, 2015. Collection method: clinical testing. Allele origin: germline.

Clinical Genetics DNA and cytogenetics Diagnostics Lab, Erasmus MC, Erasmus Medical Center
Classification: Benign. Review status: no assertion criteria provided. Collection method: clinical testing. Allele origin: germline. Affected: yes. Study: VKGL Data-share Consensus. Not counted in ClinVar's aggregate classification.

Clinical Genetics, Academic Medical Center
Classification: Benign. Review status: no assertion criteria provided. Collection method: clinical testing. Allele origin: germline. Affected: yes. Study: VKGL Data-share Consensus. Not counted in ClinVar's aggregate classification.

Diagnostic Laboratory, Department of Genetics, University Medical Center Groningen
Classification: Benign. Review status: no assertion criteria provided. Collection method: clinical testing. Allele origin: germline. Affected: yes. Study: VKGL Data-share Consensus. Not counted in ClinVar's aggregate classification.

Genetic Services Laboratory, University of Chicago
Classification: Likely benign for AllHighlyPenetrant. Review status: no assertion criteria provided. Collection method: clinical testing. Allele origin: germline. Not counted in ClinVar's aggregate classification.
Comment: Likely benign based on allele frequency in 1000 Genomes Project or ESP global frequency and its presence in a patient with a rare or unrelated disease phenotype. NOT Sanger confirmed.

Genome Diagnostics Laboratory, University Medical Center Utrecht
Classification: Likely benign. Review status: no assertion criteria provided. Collection method: clinical testing. Allele origin: germline. Affected: yes. Study: VKGL Data-share Consensus. Not counted in ClinVar's aggregate classification.

Joint Genome Diagnostic Labs from Nijmegen and Maastricht, Radboudumc and MUMC+
Classification: Benign. Review status: no assertion criteria provided. Collection method: clinical testing. Allele origin: germline. Affected: yes. Study: VKGL Data-share Consensus. Not counted in ClinVar's aggregate classification.

Laboratory of Diagnostic Genome Analysis, Leiden University Medical Center (LUMC)
Classification: Likely benign. Review status: no assertion criteria provided. Collection method: clinical testing. Allele origin: germline. Affected: yes. Study: VKGL Data-share Consensus. Not counted in ClinVar's aggregate classification.

NM_001267550.2(TTN):c.22786G>C (p.Asp7596His)

Gene: TTN (titin; minus strand). Cytogenetic location: 2q31.2.
Variant type: single nucleotide variant.
Coding change: c.22786G>C on transcript NM_001267550.2 (MANE Select); coding-DNA position 22786, G replaced by C.
Protein change: p.Asp7596His; replaces aspartic acid 7596 with histidine.
Molecular consequence: missense variant. On other transcripts: intron variant (3).
Genome position (GRCh38, 1-based): chr2:178,721,877, C>G on the plus strand (G>C on the coding strand, the complement: TTN is on the minus strand). VCF-style: chr2-178721877-C-G. GRCh37 (hg19) VCF-style: chr2-179586604-C-G.
Other names: p.D6352H:GAC>CAC; c.21835G>C, p.Asp7279His (NM_001256850.1); c.19054G>C, p.Asp6352His (NM_133378.4); c.13282+16205G>C (NM_003319.4); c.13858+16205G>C (NM_133437.4); c.13657+16205G>C (NM_133432.3); short protein forms D7596H, D6352H, D7279H.
Identifiers: ClinVar variation 46705 (VCV000046705.54), dbSNP rs72648970, ClinGen allele CA282835.